The following is an entry in ClinVar:

ClinVar aggregate classification (germline): Uncertain significance. Review status: criteria provided, multiple submitters, no conflicts (2 of 4 stars). 2 submissions from 2 submitters: Uncertain significance (2). Last evaluated 2022-06-29.

Conditions:
Neurodevelopmental disorder with brain anomalies and with or without vertebral or cardiac anomalies. Identifiers: MedGen C5231481, MONDO:0032888, OMIM 618731.
Disorder of sexual differentiation. Also called: Difference of sexual differentiation; Disorder of sex development. Identifiers: Orphanet 90771, MedGen C2930619, MONDO:0002145.
Inborn genetic diseases. Identifiers: MedGen C0950123, MeSH D030342.

Allele frequency attached by ClinVar (database versions not stated): ExAC 0.00001; gnomAD 0.00001; gnomAD exomes 0.00001; TOPMed 0.00001.
gnomAD v4.1: 17 of 1,611,618 alleles (0.0011%); highest among the groups gnomAD compares: Admixed American, 0.0034%; no homozygotes.

Submissions (2):

Labcorp Genetics (formerly Invitae), Labcorp
Classification: Uncertain significance. Last evaluated: 2022-06-29. Review status: criteria provided, single submitter. Criteria: Invitae Variant Classification Sherloc (09022015). Collection method: clinical testing. Allele origin: germline.
Comment: In summary, the available evidence is currently insufficient to determine the role of this variant in disease. Therefore, it has been classified as a Variant of Uncertain Significance. Algorithms developed to predict the effect of missense changes on protein structure and function (SIFT, PolyPhen-2, Align-GVGD) all suggest that this variant is likely to be tolerated. This variant has not been reported in the literature in individuals affected with DHX37-related conditions. This variant is present in population databases (rs757245596, gnomAD 0.0009%). This sequence change replaces arginine, which is basic and polar, with glutamine, which is neutral and polar, at codon 833 of the DHX37 protein (p.Arg833Gln).

Ambry Genetics
Classification: Uncertain significance for Inborn genetic diseases. Last evaluated: 2022-05-01. Review status: criteria provided, single submitter. Criteria: Ambry Variant Classification Scheme 2023. Collection method: clinical testing. Allele origin: germline.

NM_032656.4(DHX37):c.2498G>A (p.Arg833Gln)

Gene: DHX37 (DEAH-box helicase 37; minus strand). Cytogenetic location: 12q24.31.
Variant type: single nucleotide variant.
Coding change: c.2498G>A on transcript NM_032656.4 (MANE Select); coding-DNA position 2498, G replaced by A.
Protein change: p.Arg833Gln; replaces arginine 833 with glutamine.
Molecular consequence: missense variant.
Genome position (GRCh38, 1-based): chr12:124,954,167, C>T on the plus strand (G>A on the coding strand, the complement: DHX37 is on the minus strand). VCF-style: chr12-124954167-C-T. GRCh37 (hg19) VCF-style: chr12-125438713-C-T.
Other names: c.2498G>A (NM_032656.3); short protein forms R833Q.
Identifiers: ClinVar variation 2191482 (VCV002191482.6), dbSNP rs757245596, ClinGen allele CA6871613.